The following is an entry in ClinVar:

NM_000458.4(HNF1B):c.1239C>T (p.Val413=)

Gene: HNF1B (HNF1 homeobox B; minus strand). Cytogenetic location: 17q12.
Variant type: single nucleotide variant.
Coding change: c.1239C>T on transcript NM_000458.4 (MANE Select); coding-DNA position 1239, C replaced by T.
Protein change: p.Val413=; no amino-acid change (valine 413 retained).
Molecular consequence: synonymous variant.
Genome position (GRCh38, 1-based): chr17:37,705,017, G>A on the plus strand (C>T on the coding strand, the complement: HNF1B is on the minus strand). VCF-style: chr17-37705017-G-A. GRCh37 (hg19) VCF-style: chr17-36065024-G-A.
Other names: c.1239C>T (NM_000458.2); c.1161C>T, p.Val387= (NM_001165923.4, NM_001304286.2).
Identifiers: ClinVar variation 984524 (VCV000984524.6), dbSNP rs201113814, ClinGen allele CA8518856.

ClinVar aggregate classification (germline): Conflicting classifications of pathogenicity. Review status: criteria provided, conflicting classifications (1 of 4 stars). 4 submissions from 4 submitters: Uncertain significance (1); Benign (1); Likely benign (2). Last evaluated 2026-01-10.

Conditions:
Maturity-onset diabetes of the young (MODY). Also called: Maturity onset diabetes mellitus in young. Identifiers: Orphanet 552, MedGen C0342276, MONDO:0018911, HP:0004904.

Allele frequency attached by ClinVar (database versions not stated): TOPMed 0.00001; gnomAD 0.00005; 1000 Genomes Project 30x 0.00016; ExAC 0.00017; 1000 Genomes Project 0.00020.
gnomAD v4.1: 118 of 1,614,110 alleles (0.0073%); highest among the groups gnomAD compares: Non-Finnish European, 0.0078%; no homozygotes.

Submissions (4):

Labcorp Genetics (formerly Invitae), Labcorp
Classification: Likely benign. Last evaluated: 2026-01-10. Review status: criteria provided, single submitter. Criteria: Invitae Variant Classification Sherloc (09022015). Collection method: clinical testing. Allele origin: germline.

GeneDx
Classification: Uncertain significance. Last evaluated: 2022-07-26. Review status: criteria provided, single submitter. Criteria: GeneDx Variant Classification Process June 2021. Collection method: clinical testing. Allele origin: germline. Affected: yes.
Comment: In silico analysis supports that this variant does not alter splicing; Has not been previously published as pathogenic or benign to our knowledge

Women's Health and Genetics/Laboratory Corporation of America, LabCorp
Classification: Benign. Last evaluated: 2020-10-23. Review status: criteria provided, single submitter. Criteria: LabCorp Variant Classification Summary - May 2015. Collection method: clinical testing. Allele origin: germline.

Clinical Genomics, Uppaluri K&H Personalized Medicine Clinic
Classification: Likely benign for Maturity-onset diabetes of the young. Review status: criteria provided, single submitter. Criteria: K & H Uppaluri Personalized Medicine Clinic Variant Classification & Assertion Criteria_Updated V.1. Collection method: research. Allele origin: unknown. Inheritance: Autosomal dominant inheritance.
Comment: HNF1B gene mutations are associated with early onset diabetes and pancreatic atrophy. It is also associated with multiple renal manifestations including renal cysts, Tubulointerstitial disease, glomerulocystic disease, renal hypoplasia, hypomagnesemia. However no sufficient evidence is found to ascertain the role of this particular variant rs201113814, yet.

Literature cited by the submitters: PubMed 24897035 (cited by Clinical Genomics, Uppaluri K&H Personalized Medicine Clinic); PubMed 25536396 (cited by Clinical Genomics, Uppaluri K&H Personalized Medicine Clinic); PubMed 27615128 (cited by Clinical Genomics, Uppaluri K&H Personalized Medicine Clinic); PubMed 28215227 (cited by Clinical Genomics, Uppaluri K&H Personalized Medicine Clinic); PubMed 33434175 (cited by Clinical Genomics, Uppaluri K&H Personalized Medicine Clinic); PubMed 25741167 (cited by Clinical Genomics, Uppaluri K&H Personalized Medicine Clinic); PubMed 26340261 (cited by Clinical Genomics, Uppaluri K&H Personalized Medicine Clinic); PubMed 19639018 (cited by Clinical Genomics, Uppaluri K&H Personalized Medicine Clinic).